The following is an entry in ClinVar:

ClinVar aggregate classification (germline): Conflicting classifications of pathogenicity. Review status: criteria provided, conflicting classifications (1 of 4 stars). 2 submissions from 2 submitters: Uncertain significance (1); Likely benign (1). Last evaluated 2024-05-08.

Conditions:
Familial cancer of breast. Also called: Hereditary breast cancer; BREAST CANCER, FAMILIAL; hereditary breast carcinoma. Identifiers: Orphanet 227535, MedGen C0346153, MONDO:0016419, OMIM 114480. Disease mechanism: loss of function.
Hereditary cancer-predisposing syndrome. Also called: Neoplastic Syndromes, Hereditary; Tumor predisposition; Hereditary Cancer Syndrome; Hereditary neoplastic syndrome. Identifiers: Orphanet 140162, MedGen C0027672, MeSH D009386, MONDO:0015356.

Submissions (2):

Myriad Genetics, Inc.
Classification: Likely benign for Familial cancer of breast. Last evaluated: 2024-05-08. Review status: criteria provided, single submitter. Criteria: Myriad Autosomal Dominant, Autosomal Recessive and X-Linked Classification Criteria (2023). Collection method: clinical testing. Allele origin: unknown.
Comment: This variant is considered likely benign. This variant is intronic and is not expected to impact mRNA splicing.

Color Diagnostics, LLC DBA Color Health
Classification: Uncertain significance for Hereditary cancer-predisposing syndrome. Last evaluated: 2021-09-16. Review status: criteria provided, single submitter. Criteria: ACMG Guidelines, 2015. Collection method: clinical testing. Allele origin: germline.
Comment: This variant causes a T to C nucleotide substitution at the -10 position of intron 15 of the ATM gene. Splice site prediction tools suggest that this variant may not impact RNA splicing, although this prediction has not been confirmed in published RNA studies. To our knowledge, this variant has not been reported in individuals affected with hereditary cancer in the literature. This variant has not been identified in the general population by the Genome Aggregation Database (gnomAD). The available evidence is insufficient to determine the role of this variant in disease conclusively. Therefore, this variant is classified as a Variant of Uncertain Significance.

NM_000051.4(ATM):c.2377-10T>C

Gene: ATM (ATM serine/threonine kinase; plus strand). Cytogenetic location: 11q22.3.
Variant type: single nucleotide variant.
Coding change: c.2377-10T>C on transcript NM_000051.4 (MANE Select); 10 bases into the intron before coding-DNA position 2377, T replaced by C.
Molecular consequence: intron variant.
Genome position (GRCh38, 1-based): chr11:108,258,976, T>C. VCF-style: chr11-108258976-T-C. GRCh37 (hg19) VCF-style: chr11-108129703-T-C.
Other names: c.2377-10T>C (NM_001351834.2).
Identifiers: ClinVar variation 2774261 (VCV002774261.3), dbSNP rs2497416091, ClinGen allele CA2697552049.
Genomic context (GRCh38, chr11:108,258,976, plus strand): 5'-AAACACTGTCTGCCAAGAATAATTGTTTTTATTTCTTTGTTGCTTGGTTCTTTGTTTGTC[T>C]TAATTGCAGAAGAGTCCAAATAAGATTGCATCTGGCTTTTTCCTGCGATTGTTAACATCA-3'